The following is an entry in ClinVar:

ClinVar aggregate classification (germline): Uncertain significance (1 of 4 stars; one submission).

Conditions:
Neuronal ceroid lipofuscinosis. Also called: Neuronal Ceroid Lipofuscinoses. Identifiers: Orphanet 216, Orphanet 79263, MedGen C0027877, MONDO:0016295. Disease mechanism: loss of function.

Submission:

Labcorp Genetics (formerly Invitae), Labcorp
Classification: Uncertain significance for Neuronal ceroid lipofuscinosis. Last evaluated: 2022-02-08. Review status: criteria provided, single submitter. Criteria: Invitae Variant Classification Sherloc (09022015). Collection method: clinical testing. Allele origin: germline.
Comment: This sequence change replaces leucine, which is neutral and non-polar, with valine, which is neutral and non-polar, at codon 102 of the CLN3 protein (p.Leu102Val). In summary, the available evidence is currently insufficient to determine the role of this variant in disease. Therefore, it has been classified as a Variant of Uncertain Significance. Algorithms developed to predict the effect of missense changes on protein structure and function (SIFT, PolyPhen-2, Align-GVGD) all suggest that this variant is likely to be disruptive. ClinVar contains an entry for this variant (Variation ID: 972305). This variant has not been reported in the literature in individuals affected with CLN3-related conditions. This variant is not present in population databases (gnomAD no frequency).

NM_001042432.2(CLN3):c.304C>G (p.Leu102Val)

Gene: CLN3 (CLN3 lysosomal/endosomal transmembrane protein, battenin; minus strand). Cytogenetic location: 16p12.1.
Variant type: single nucleotide variant.
Coding change: c.304C>G on transcript NM_001042432.2 (MANE Select); coding-DNA position 304, C replaced by G.
Protein change: p.Leu102Val; replaces leucine 102 with valine.
Molecular consequence: missense variant. On other transcripts: intron variant (1).
Genome position (GRCh38, 1-based): chr16:28,487,732, G>C on the plus strand (C>G on the coding strand, the complement: CLN3 is on the minus strand). VCF-style: chr16-28487732-G-C. GRCh37 (hg19) VCF-style: chr16-28499053-G-C.
Other names: c.304C>G, p.Leu102Val (NM_000086.2); c.232C>G, p.Leu78Val (NM_001286104.2); c.70C>G, p.Leu24Val (NM_001286109.2); c.142C>G, p.Leu48Val (NM_001286110.2); c.75-191C>G (NM_001286105.2); short protein forms L48V, L78V, L102V, L24V.
Identifiers: ClinVar variation 972305 (VCV000972305.10), dbSNP rs1167562278, ClinGen allele CA395346145.